The following is an entry in ClinVar:

ClinVar aggregate classification (germline): Benign. Review status: criteria provided, single submitter (1 of 4 stars). 2 submissions from 2 submitters: Benign (1). 1 of the submissions does not count toward it. Last evaluated 2025-10-23.

Conditions:
LAMA5-related disorder. Also called: LAMA5-Related Disorders; LAMA5-related condition.

Allele frequency attached by ClinVar (database versions not stated): ExAC 0.00096; ESP Exome Variant Server 0.00159; gnomAD 0.00169; TOPMed 0.00185; 1000 Genomes Project 30x 0.00203; 1000 Genomes Project 0.00240.
gnomAD v4.1: 562 of 1,548,998 alleles (0.036%); highest among the groups gnomAD compares: African/African-American, 0.65%; 2 homozygotes.

Submissions (2):

Labcorp Genetics (formerly Invitae), Labcorp
Classification: Benign. Last evaluated: 2025-10-23. Review status: criteria provided, single submitter. Criteria: Invitae Variant Classification Sherloc (09022015). Collection method: clinical testing. Allele origin: germline.

PreventionGenetics, part of Exact Sciences
Classification: Likely benign for LAMA5-related condition. Last evaluated: 2021-06-10. Review status: no assertion criteria provided. Collection method: clinical testing. Allele origin: germline. Not counted in ClinVar's aggregate classification.
Comment: This variant is classified as likely benign based on ACMG/AMP sequence variant interpretation guidelines (Richards et al. 2015 PMID: 25741868, with internal and published modifications).

NM_005560.6(LAMA5):c.6805G>A (p.Glu2269Lys)

Gene: LAMA5 (laminin subunit alpha 5; minus strand). Cytogenetic location: 20q13.33.
Variant type: single nucleotide variant.
Coding change: c.6805G>A on transcript NM_005560.6 (MANE Select); coding-DNA position 6805, G replaced by A.
Protein change: p.Glu2269Lys; replaces glutamic acid 2269 with lysine.
Molecular consequence: missense variant.
Genome position (GRCh38, 1-based): chr20:62,319,750, C>T on the plus strand (G>A on the coding strand, the complement: LAMA5 is on the minus strand). VCF-style: chr20-62319750-C-T. GRCh37 (hg19) VCF-style: chr20-60894806-C-T.
Other names: c.6805G>A (NM_005560.4); short protein forms E2269K.
Identifiers: ClinVar variation 2063973 (VCV002063973.6), dbSNP rs116765059, ClinGen allele CA9941547.